The following is an entry in ClinVar:

ClinVar aggregate classification (germline): Pathogenic (1 of 4 stars; one submission).

Conditions:
Primary ciliary dyskinesia. Also called: Ciliary dyskinesia. Identifiers: Orphanet 244, MedGen C0008780, MONDO:0016575, HP:0012265.

Submission:

Labcorp Genetics (formerly Invitae), Labcorp
Classification: Pathogenic for Primary ciliary dyskinesia. Last evaluated: 2023-03-29. Review status: criteria provided, single submitter. Criteria: Invitae Variant Classification Sherloc (09022015). Collection method: clinical testing. Allele origin: germline.
Comment: For these reasons, this variant has been classified as Pathogenic. This variant has not been reported in the literature in individuals affected with DNAH5-related conditions. This variant is not present in population databases (gnomAD no frequency). This sequence change creates a premature translational stop signal (p.Asp4171Thrfs*5) in the DNAH5 gene. It is expected to result in an absent or disrupted protein product. Loss-of-function variants in DNAH5 are known to be pathogenic (PMID: 11788826, 16627867).

Literature cited by the submitters: PubMed 11788826; PubMed 16627867.

NM_001369.3(DNAH5):c.12510del (p.Asp4171fs)

Gene: DNAH5 (dynein axonemal heavy chain 5; minus strand). Cytogenetic location: 5p15.2.
Variant type: Deletion.
Coding change: c.12510del on transcript NM_001369.3 (MANE Select); coding-DNA position 12510, one base deleted (A; older notation c.12510delA).
Protein change: p.Asp4171fs; shifts the reading frame from aspartic acid 4171.
Molecular consequence: frameshift variant.
Genome position (GRCh38, 1-based): chr5:13,717,510, T deleted on the plus strand (A on the coding strand, the reverse complement: DNAH5 is on the minus strand); the first of 2 consecutive T bases (chr5:13,717,510-13,717,511); deleting either gives the same sequence. VCF-style (leftmost placement, unchanged base first): chr5-13717509-CT-C. GRCh37 (hg19) VCF-style: chr5-13717618-CT-C.
Other names: short protein forms D4171fs.
Identifiers: ClinVar variation 2850624 (VCV002850624.3), dbSNP rs2546512880, ClinGen allele CA2739274570.